The following is an entry in ClinVar:

NM_017654.4(SAMD9):c.541C>A (p.Leu181Ile)

Gene: SAMD9 (sterile alpha motif domain containing 9; minus strand). Cytogenetic location: 7q21.2.
Variant type: single nucleotide variant.
Coding change: c.541C>A on transcript NM_017654.4 (MANE Select); coding-DNA position 541, C replaced by A.
Protein change: p.Leu181Ile; replaces leucine 181 with isoleucine.
Molecular consequence: missense variant.
Genome position (GRCh38, 1-based): chr7:93,105,557, G>T on the plus strand (C>A on the coding strand, the complement: SAMD9 is on the minus strand). VCF-style: chr7-93105557-G-T. GRCh37 (hg19) VCF-style: chr7-92734870-G-T.
Other names: c.541C>A, p.Leu181Ile (NM_001193307.2); short protein forms L181I.
Identifiers: ClinVar variation 3949652 (VCV003949652.1).
Genomic context (GRCh38, chr7:93,105,557, plus strand): 5'-TGAAGGCTTTGAATTCATGTATCGGATCAATGAGATTGCCTGGTCCTGTTTCAGGCTGTA[G>T]ACTAAAATCCAACTTGTAACGATATGGATTACTGAATTCATCAAATGGATATGATACACA-3'
Protein context (NP_060124.2, residues 171-191): NPYRYKLDFS[Leu181Ile]QPETGPGNLI

ClinVar aggregate classification (germline): Uncertain significance (1 of 4 stars; one submission).

Conditions:
Inborn genetic diseases. Identifiers: MedGen C0950123, MeSH D030342.

Submission:

Ambry Genetics
Classification: Uncertain significance for Inborn genetic diseases. Last evaluated: 2025-05-19. Review status: criteria provided, single submitter. Criteria: Ambry Variant Classification Scheme 2023. Collection method: clinical testing. Allele origin: germline.
Comment: The p.L181I variant (also known as c.541C>A), located in coding exon 1 of the SAMD9 gene, results from a C to A substitution at nucleotide position 541. The leucine at codon 181 is replaced by isoleucine, an amino acid with highly similar properties. This amino acid position is conserved. In addition, this alteration is predicted to be tolerated by in silico analysis. Based on the available evidence, the clinical significance of this variant remains unclear.